The following is an entry in ClinVar:

ClinVar aggregate classification (germline): Uncertain significance. Review status: criteria provided, multiple submitters, no conflicts (2 of 4 stars). 2 submissions from 2 submitters: Uncertain significance (2). Last evaluated 2026-07-01.

Submissions (2):

CeGaT Center for Human Genetics Tuebingen
Classification: Uncertain significance. Last evaluated: 2026-07-01. Review status: criteria provided, single submitter. Criteria: CeGaT Center For Human Genetics Tuebingen Variant Classification Criteria Version 2. Collection method: clinical testing. Allele origin: germline. Affected: yes. Observed: 1 variant allele.
Comment: DDX3X: PM1, PM2, PP2

Dasa
Classification: Uncertain significance. Last evaluated: 2025-01-10. Review status: criteria provided, single submitter. Criteria: DASA Assertion Criteria. Collection method: clinical testing. Allele origin: germline.
Comment: NM_001356.5(DDX3X):c.1625C>G (p.Thr542Ser) is a missense variant that results in the substitution of threonine with serine. This variant is absent from population databases. Computational prediction algorithms are consistent with a benign effect. The currently available literature and clinical evidence are not sufficient to establish a definitive association between this variant and the reported condition. Therefore, this variant is classified as a variant of uncertain significance.

NM_001356.5(DDX3X):c.1625C>G (p.Thr542Ser)

Gene: DDX3X (DEAD-box helicase 3 X-linked; plus strand). Cytogenetic location: Xp11.4.
Variant type: single nucleotide variant.
Coding change: c.1625C>G on transcript NM_001356.5 (MANE Select); coding-DNA position 1625, C replaced by G.
Protein change: p.Thr542Ser; replaces threonine 542 with serine.
Molecular consequence: missense variant. On other transcripts: non-coding transcript variant (1).
Genome position (GRCh38, 1-based): chrX:41,346,868, C>G. VCF-style: chrX-41346868-C-G. GRCh37 (hg19) VCF-style: chrX-41206121-C-G.
Other names: c.1067C>G, p.Thr356Ser (NM_001363819.1); c.1625C>G, p.Thr542Ser (NM_001193416.3); c.1577C>G, p.Thr526Ser (NM_001193417.3); short protein forms T356S, T526S, T542S.
Identifiers: ClinVar variation 4885520 (VCV004885520.3).